The following is an entry in ClinVar:

NM_001563.4(IMPG1):c.1079G>A (p.Ser360Asn)

Gene: IMPG1 (interphotoreceptor matrix proteoglycan 1; minus strand). Cytogenetic location: 6q14.1.
Variant type: single nucleotide variant.
Coding change: c.1079G>A on transcript NM_001563.4 (MANE Select); coding-DNA position 1079, G replaced by A.
Protein change: p.Ser360Asn; replaces serine 360 with asparagine.
Molecular consequence: missense variant.
Genome position (GRCh38, 1-based): chr6:76,005,343, C>T on the plus strand (G>A on the coding strand, the complement: IMPG1 is on the minus strand). VCF-style: chr6-76005343-C-T. GRCh37 (hg19) VCF-style: chr6-76715060-C-T.
Other names: c.845G>A, p.Ser282Asn (NM_001282368.2); short protein forms S282N, S360N.
Identifiers: ClinVar variation 1709818 (VCV001709818.2), dbSNP rs925608736, ClinGen allele CA364773548.

ClinVar aggregate classification (germline): Uncertain significance (1 of 4 stars; one submission).

Conditions:
Benign concentric annular macular dystrophy. Identifiers: Orphanet 251287, MedGen C5561925, MONDO:0007934, OMIM 153870.

gnomAD v4.1: 2 of 1,614,006 alleles (0.00012%); highest among the groups gnomAD compares: Middle Eastern, 0.016%; no homozygotes.

Submission:

MGZ Medical Genetics Center
Classification: Uncertain significance for Benign concentric annular macular dystrophy. Last evaluated: 2021-11-11. Review status: criteria provided, single submitter. Criteria: ACMG Guidelines, 2015. Collection method: clinical testing. Allele origin: germline. Affected: yes. Observed: 1 variant allele.
Comment: ACMG criteria applied: PM2_SUP